The following is an entry in ClinVar:

NM_022166.4(XYLT1):c.694G>C (p.Asp232His)

Gene: XYLT1 (xylosyltransferase 1; minus strand). Cytogenetic location: 16p12.3.
Variant type: single nucleotide variant.
Coding change: c.694G>C on transcript NM_022166.4 (MANE Select); coding-DNA position 694, G replaced by C.
Protein change: p.Asp232His; replaces aspartic acid 232 with histidine.
Molecular consequence: missense variant.
Genome position (GRCh38, 1-based): chr16:17,259,207, C>G on the plus strand (G>C on the coding strand, the complement: XYLT1 is on the minus strand). VCF-style: chr16-17259207-C-G. GRCh37 (hg19) VCF-style: chr16-17353064-C-G.
Other names: c.694G>C (NM_022166.3); short protein forms D232H.
Identifiers: ClinVar variation 1412920 (VCV001412920.11), dbSNP rs150214300, ClinGen allele CA7928131.

ClinVar aggregate classification (germline): Uncertain significance. Review status: criteria provided, multiple submitters, no conflicts (2 of 4 stars). 3 submissions from 3 submitters: Uncertain significance (3). Last evaluated 2025-11-05.

Conditions:
Inborn genetic diseases. Identifiers: MedGen C0950123, MeSH D030342.
Desbuquois dysplasia 1 (DBQD1). Also called: DESBUQUOIS DYSPLASIA 1, KIM VARIANT; MICROMELIC DWARFISM WITH VERTEBRAL AND METAPHYSEAL ABNORMALITIES AND ADVANCED CARPOTARSAL OSSIFICATION. Identifiers: Orphanet 1425, MedGen C4012146, MONDO:0009629, OMIM 251450.

Allele frequency attached by ClinVar (database versions not stated): gnomAD exomes 0.00003 and 0.00007; ExAC 0.00007; gnomAD 0.00019 and 0.00021; TOPMed 0.00022; ESP Exome Variant Server 0.00023.
gnomAD v4.1: 71 of 1,613,766 alleles (0.0044%); highest among the groups gnomAD compares: African/African-American, 0.09%; no homozygotes.

Submissions (3):

Ambry Genetics
Classification: Uncertain significance for Inborn genetic diseases. Last evaluated: 2025-11-05. Review status: criteria provided, single submitter. Criteria: Ambry Variant Classification Scheme 2023. Collection method: clinical testing. Allele origin: germline.

GeneDx
Classification: Uncertain significance. Last evaluated: 2024-09-26. Review status: criteria provided, single submitter. Criteria: GeneDx Variant Classification Process June 2021. Collection method: clinical testing. Allele origin: germline. Affected: yes.
Comment: In silico analysis indicates that this missense variant does not alter protein structure/function; Has not been previously published as pathogenic or benign to our knowledge

Labcorp Genetics (formerly Invitae), Labcorp
Classification: Uncertain significance for Desbuquois dysplasia 1. Last evaluated: 2022-08-31. Review status: criteria provided, single submitter. Criteria: Invitae Variant Classification Sherloc (09022015). Collection method: clinical testing. Allele origin: germline.
Comment: Algorithms developed to predict the effect of missense changes on protein structure and function (SIFT, PolyPhen-2, Align-GVGD) all suggest that this variant is likely to be tolerated. In summary, the available evidence is currently insufficient to determine the role of this variant in disease. Therefore, it has been classified as a Variant of Uncertain Significance. ClinVar contains an entry for this variant (Variation ID: 1412920). This sequence change replaces aspartic acid, which is acidic and polar, with histidine, which is basic and polar, at codon 232 of the XYLT1 protein (p.Asp232His). This variant is present in population databases (rs150214300, gnomAD 0.1%). This variant has not been reported in the literature in individuals affected with XYLT1-related conditions.